The following is an entry in ClinVar:

ClinVar aggregate classification (germline): Conflicting classifications of pathogenicity. Review status: criteria provided, conflicting classifications (1 of 4 stars). 5 submissions from 5 submitters: Uncertain significance (1); Likely benign (3). 1 of the submissions does not count toward it. Last evaluated 2026-02-01.

Conditions:
ADNP-related disorder. Also called: ADNP-related condition.

Allele frequency attached by ClinVar (database versions not stated): ESP Exome Variant Server 0.00015; TOPMed 0.00022; gnomAD 0.00026 and 0.00030; gnomAD exomes 0.00031; ExAC 0.00033; 1000 Genomes Project 30x 0.00078; 1000 Genomes Project 0.00080.
gnomAD v4.1: 420 of 1,614,204 alleles (0.026%); highest among the groups gnomAD compares: East Asian, 0.23%; 1 homozygote.

Submissions (5):

CeGaT Center for Human Genetics Tuebingen
Classification: Likely benign. Last evaluated: 2026-02-01. Review status: criteria provided, single submitter. Criteria: CeGaT Center For Human Genetics Tuebingen Variant Classification Criteria Version 2. Collection method: clinical testing. Allele origin: germline. Affected: yes. Observed: 10 variant alleles.
Comment: ADNP: BP4, BS1

Labcorp Genetics (formerly Invitae), Labcorp
Classification: Likely benign. Last evaluated: 2025-12-15. Review status: criteria provided, single submitter. Criteria: Invitae Variant Classification Sherloc (09022015). Collection method: clinical testing. Allele origin: germline.

Blueprint Genetics
Classification: Likely benign. Last evaluated: 2024-11-21. Review status: criteria provided, single submitter. Criteria: ACMG Guidelines, 2015. Collection method: clinical testing. Allele origin: germline.

Genetic Services Laboratory, University of Chicago
Classification: Uncertain significance. Last evaluated: 2016-01-11. Review status: criteria provided, single submitter. Criteria: ACMG Guidelines, 2015. Collection method: clinical testing. Allele origin: germline. Affected: no.

PreventionGenetics, part of Exact Sciences
Classification: Likely benign for ADNP-related condition. Last evaluated: 2024-05-30. Review status: no assertion criteria provided. Collection method: clinical testing. Allele origin: germline. Not counted in ClinVar's aggregate classification.
Comment: This variant is classified as likely benign based on ACMG/AMP sequence variant interpretation guidelines (Richards et al. 2015 PMID: 25741868, with internal and published modifications).

NM_001282531.3(ADNP):c.2772G>C (p.Glu924Asp)

Gene: ADNP (activity dependent neuroprotector homeobox; minus strand). Cytogenetic location: 20q13.13.
Variant type: single nucleotide variant.
Coding change: c.2772G>C on transcript NM_001282531.3 (MANE Select); coding-DNA position 2772, G replaced by C.
Protein change: p.Glu924Asp; replaces glutamic acid 924 with aspartic acid.
Molecular consequence: missense variant.
Genome position (GRCh38, 1-based): chr20:50,891,942, C>G on the plus strand (G>C on the coding strand, the complement: ADNP is on the minus strand). VCF-style: chr20-50891942-C-G. GRCh37 (hg19) VCF-style: chr20-49508479-C-G.
Other names: c.2772G>C, p.Glu924Asp (NM_001282532.2, NM_001347511.2, NM_015339.5 and 1 more transcripts); c.2772G>C (NM_001282531.2); short protein forms E924D.
Identifiers: ClinVar variation 434093 (VCV000434093.48), dbSNP rs148496595, ClinGen allele CA9908524.